The following is an entry in ClinVar:

ClinVar aggregate classification (germline): Uncertain significance (1 of 4 stars; one submission).

gnomAD v4.1: 86 of 1,614,004 alleles (0.0053%); highest among the groups gnomAD compares: Non-Finnish European, 0.0069%; no homozygotes.

Submission:

Labcorp Genetics (formerly Invitae), Labcorp
Classification: Uncertain significance. Last evaluated: 2022-05-15. Review status: criteria provided, single submitter. Criteria: Invitae Variant Classification Sherloc (09022015). Collection method: clinical testing. Allele origin: germline.
Comment: This sequence change replaces proline, which is neutral and non-polar, with threonine, which is neutral and polar, at codon 598 of the ADAMTS17 protein (p.Pro598Thr). This variant is present in population databases (rs750759888, gnomAD 0.002%). This variant has not been reported in the literature in individuals affected with ADAMTS17-related conditions. Algorithms developed to predict the effect of missense changes on protein structure and function are either unavailable or do not agree on the potential impact of this missense change (SIFT: "Not Available"; PolyPhen-2: "Benign"; Align-GVGD: "Not Available"). In summary, the available evidence is currently insufficient to determine the role of this variant in disease. Therefore, it has been classified as a Variant of Uncertain Significance.

NM_139057.4(ADAMTS17):c.1792C>A (p.Pro598Thr)

Gene: ADAMTS17 (ADAM metallopeptidase with thrombospondin type 1 motif 17; minus strand). Cytogenetic location: 15q26.3.
Variant type: single nucleotide variant.
Coding change: c.1792C>A on transcript NM_139057.4 (MANE Select); coding-DNA position 1792, C replaced by A.
Protein change: p.Pro598Thr; replaces proline 598 with threonine.
Molecular consequence: missense variant.
Genome position (GRCh38, 1-based): chr15:100,116,943, G>T on the plus strand (C>A on the coding strand, the complement: ADAMTS17 is on the minus strand). VCF-style: chr15-100116943-G-T. GRCh37 (hg19) VCF-style: chr15-100657148-G-T.
Other names: short protein forms P598T.
Identifiers: ClinVar variation 1509877 (VCV001509877.5), dbSNP rs750759888, ClinGen allele CA275484912.